The following is an entry in ClinVar:

ClinVar aggregate classification (germline): other (0 of 4 stars; one submission).

Conditions:
Familial colorectal cancer. Identifiers: MedGen CN280943, MONDO:0023113. Disease mechanism: loss of function.

Submission:

Systems Biology Platform Zhejiang California International NanoSystems Institute
Classification: other for Familial colorectal cancer. Review status: no assertion criteria provided. Collection method: not provided. Allele origin: unknown.
ClinVar note: Converted during submission from cancer to other.

NM_000038.6(APC):c.-18-6234A>G

Gene: APC (APC regulator of WNT signaling pathway; plus strand). Cytogenetic location: 5q22.2.
Variant type: single nucleotide variant.
Coding change: c.-18-6234A>G on transcript NM_000038.6 (MANE Select); 6234 bases into the intron before 18 bases upstream of the start codon, A replaced by G.
Molecular consequence: intron variant.
Genome position (GRCh38, 1-based): chr5:112,748,639, A>G. VCF-style: chr5-112748639-A-G. GRCh37 (hg19) VCF-style: chr5-112084336-A-G.
Other names: c.-18-6234A>G (NM_001354895.2, NM_001127510.3, NM_001354896.2 and 2 more transcripts); c.166-17687A>G (NM_001354897.2, NM_001354902.2, NM_001127511.3); c.60+10179A>G (NM_001354898.2, NM_001354904.2); c.-1053-6234A>G (NM_001354906.2); c.-43+10714A>G (NM_001354900.2, NM_001354901.2, NM_001354905.2).
Identifiers: ClinVar variation 82791 (VCV000082791.2), dbSNP rs79280419, ClinGen allele CA006182.